The following is an entry in ClinVar:

ClinVar aggregate classification (germline): Uncertain significance (1 of 4 stars; one submission).

Submission:

Labcorp Genetics (formerly Invitae), Labcorp
Classification: Uncertain significance. Last evaluated: 2025-03-07. Review status: criteria provided, single submitter. Criteria: Invitae Variant Classification Sherloc (09022015). Collection method: clinical testing. Allele origin: germline.
Comment: This sequence change replaces aspartic acid, which is acidic and polar, with glutamic acid, which is acidic and polar, at codon 28 of the SHPK protein (p.Asp28Glu). This variant is not present in population databases (gnomAD no frequency). This variant has not been reported in the literature in individuals affected with SHPK-related conditions. ClinVar contains an entry for this variant (Variation ID: 2146119). An algorithm developed to predict the effect of missense changes on protein structure and function outputs the following: PolyPhen-2: "Benign". The glutamic acid amino acid residue is found in multiple mammalian species, which suggests that this missense change does not adversely affect protein function. In summary, the available evidence is currently insufficient to determine the role of this variant in disease. Therefore, it has been classified as a Variant of Uncertain Significance.

NM_013276.4(SHPK):c.84C>A (p.Asp28Glu)

Gene: SHPK (sedoheptulokinase; minus strand). Cytogenetic location: 17p13.2.
Variant type: single nucleotide variant.
Coding change: c.84C>A on transcript NM_013276.4 (MANE Select); coding-DNA position 84, C replaced by A.
Protein change: p.Asp28Glu; replaces aspartic acid 28 with glutamic acid.
Molecular consequence: missense variant.
Genome position (GRCh38, 1-based): chr17:3,636,136, G>T on the plus strand (C>A on the coding strand, the complement: SHPK is on the minus strand). VCF-style: chr17-3636136-G-T. GRCh37 (hg19) VCF-style: chr17-3539430-G-T.
Other names: short protein forms D28E.
Identifiers: ClinVar variation 2146119 (VCV002146119.4), dbSNP rs2507608437, ClinGen allele CA397683894.